The following is an entry in ClinVar:

NM_004565.3(PEX14):c.1048C>T (p.Arg350Cys)

Gene: PEX14 (peroxisomal biogenesis factor 14; plus strand). Cytogenetic location: 1p36.22.
Variant type: single nucleotide variant.
Coding change: c.1048C>T on transcript NM_004565.3 (MANE Select); coding-DNA position 1048, C replaced by T.
Protein change: p.Arg350Cys; replaces arginine 350 with cysteine.
Molecular consequence: missense variant.
Genome position (GRCh38, 1-based): chr1:10,629,901, C>T. VCF-style: chr1-10629901-C-T. GRCh37 (hg19) VCF-style: chr1-10689958-C-T.
Other names: short protein forms R350C.
Identifiers: ClinVar variation 956626 (VCV000956626.8), dbSNP rs1641869464, ClinGen allele CA338339627.
Genomic context (GRCh38, chr1:10,629,901, plus strand): 5'-GAGGATGATGATGTGAGCCATGTGGACGAGGAGGACTGCCTGGGGGTGCAGAGGGAGGAC[C>T]GCCGGGGCGGGGATGGGCAGATCAACGAGCAGGTGGAGAAGCTGCGGCGGCCCGAGGGCG-3'
Protein context (NP_004556.1, residues 340-360): EDCLGVQRED[Arg350Cys]RGGDGQINEQ

ClinVar aggregate classification (germline): Uncertain significance. Review status: criteria provided, multiple submitters, no conflicts (2 of 4 stars). 2 submissions from 2 submitters: Uncertain significance (2). Last evaluated 2024-11-25.

Conditions:
Inborn genetic diseases. Identifiers: MedGen C0950123, MeSH D030342.
Peroxisome biogenesis disorder, complementation group K (CGK). Identifiers: MedGen C1866257, MONDO:0800365.

Allele frequency attached by ClinVar (database versions not stated): gnomAD exomes below 0.00001.
gnomAD v4.1: 1 of 1,613,398 alleles (0.000062%); highest among the groups gnomAD compares: Non-Finnish European, 0.000085%; no homozygotes.

Submissions (2):

Ambry Genetics
Classification: Uncertain significance for Inborn genetic diseases. Last evaluated: 2024-11-25. Review status: criteria provided, single submitter. Criteria: Ambry Variant Classification Scheme 2023. Collection method: clinical testing. Allele origin: germline.

Labcorp Genetics (formerly Invitae), Labcorp
Classification: Uncertain significance for Peroxisome biogenesis disorder, complementation group K. Last evaluated: 2022-06-30. Review status: criteria provided, single submitter. Criteria: Invitae Variant Classification Sherloc (09022015). Collection method: clinical testing. Allele origin: germline.
Comment: This sequence change replaces arginine, which is basic and polar, with cysteine, which is neutral and slightly polar, at codon 350 of the PEX14 protein (p.Arg350Cys). This variant is not present in population databases (gnomAD no frequency). This variant has not been reported in the literature in individuals affected with PEX14-related conditions. ClinVar contains an entry for this variant (Variation ID: 956626). Algorithms developed to predict the effect of missense changes on protein structure and function are either unavailable or do not agree on the potential impact of this missense change (SIFT: "Tolerated"; PolyPhen-2: "Probably Damaging"; Align-GVGD: "Class C0"). In summary, the available evidence is currently insufficient to determine the role of this variant in disease. Therefore, it has been classified as a Variant of Uncertain Significance.